The following is an entry in ClinVar:

NM_024120.5(NDUFAF5):c.834A>G (p.Thr278=)

Gene: NDUFAF5 (NADH:ubiquinone oxidoreductase complex assembly factor 5; plus strand). Cytogenetic location: 20p12.1.
Variant type: single nucleotide variant.
Coding change: c.834A>G on transcript NM_024120.5 (MANE Select); coding-DNA position 834, A replaced by G.
Protein change: p.Thr278=; no amino-acid change (threonine 278 retained).
Molecular consequence: synonymous variant. On other transcripts: non-coding transcript variant (7).
Genome position (GRCh38, 1-based): chr20:13,816,518, A>G. VCF-style: chr20-13816518-A-G. GRCh37 (hg19) VCF-style: chr20-13797164-A-G.
Other names: c.750A>G, p.Thr250= (NM_001039375.3); c.363A>G, p.Thr121= (NM_001352403.2); c.273A>G, p.Thr91= (NM_001352406.2, NM_001352407.2).
Identifiers: ClinVar variation 517077 (VCV000517077.41), dbSNP rs768138840, ClinGen allele CA9767898.
Genomic context (GRCh38, chr20:13,816,518, plus strand): 5'-TGTAGGTATGGGTGAGAGTAACTGTGCTTGGAATAGAAAAGCCCTGCTGCATCGAGACAC[A>G]ATGCTGGCAGCTGCGGCAGTGTACAGAGGTAAGGGGCGACCACTCTTTCACCCGCCTCAC-3'
Protein context (NP_077025.2, residues 268-288): WNRKALLHRD[Thr278=]MLAAAAVYRE

ClinVar aggregate classification (germline): Likely benign. Review status: criteria provided, multiple submitters, no conflicts (2 of 4 stars). 4 submissions from 4 submitters: Likely benign (4). Last evaluated 2026-01-28.

Conditions:
NDUFAF5-related disorder. Also called: NDUFAF5-related condition.

Allele frequency attached by ClinVar (database versions not stated): ExAC 0.00008; gnomAD exomes 0.00010 and 0.00028; TOPMed 0.00014; gnomAD 0.00020 and 0.00021.
gnomAD v4.1: 448 of 1,613,950 alleles (0.028%); highest among the groups gnomAD compares: Non-Finnish European, 0.035%; 1 homozygote.

Submissions (4):

Labcorp Genetics (formerly Invitae), Labcorp
Classification: Likely benign. Last evaluated: 2026-01-28. Review status: criteria provided, single submitter. Criteria: Invitae Variant Classification Sherloc (09022015). Collection method: clinical testing. Allele origin: germline.

PreventionGenetics, part of Exact Sciences
Classification: Likely benign for NDUFAF5-related condition. Last evaluated: 2025-10-14. Review status: criteria provided, single submitter. Criteria: ACMG Guidelines, 2015. Collection method: clinical testing. Allele origin: germline.
Comment: This variant is classified as likely benign based on ACMG/AMP sequence variant interpretation guidelines (Richards et al. 2015 PMID: 25741868, with internal and published modifications).

CeGaT Center for Human Genetics Tuebingen
Classification: Likely benign. Last evaluated: 2023-03-01. Review status: criteria provided, single submitter. Criteria: CeGaT Center For Human Genetics Tuebingen Variant Classification Criteria Version 2. Collection method: clinical testing. Allele origin: germline. Affected: yes. Observed: 1 variant allele.
Comment: NDUFAF5: BP4, BP7

GeneDx
Classification: Likely benign. Last evaluated: 2018-10-18. Review status: criteria provided, single submitter. Criteria: GeneDx Variant Classification Process June 2021. Collection method: clinical testing. Allele origin: germline. Affected: yes.